The following is an entry in ClinVar:

NM_001145718.3(CT47B1):c.516C>A (p.Ser172=)

Gene: CT47B1 (cancer/testis antigen family 47 member B1; minus strand). Cytogenetic location: Xq24.
Variant type: single nucleotide variant.
Coding change: c.516C>A on transcript NM_001145718.3 (MANE Select); coding-DNA position 516, C replaced by A.
Protein change: p.Ser172=; no amino-acid change (serine 172 retained).
Molecular consequence: synonymous variant.
Genome position (GRCh38, 1-based): chrX:120,875,155, G>T on the plus strand (C>A on the coding strand, the complement: CT47B1 is on the minus strand). VCF-style: chrX-120875155-G-T. GRCh37 (hg19) VCF-style: chrX-120009009-G-T.
Identifiers: ClinVar variation 2661334 (VCV002661334.24), dbSNP rs751211819, ClinGen allele CA10506195.

ClinVar aggregate classification (germline): Likely benign (1 of 4 stars; one submission).

Allele frequency attached by ClinVar (database versions not stated): ExAC 0.00013; gnomAD 0.00050; TOPMed 0.00060.
gnomAD v4.1: 93 of 1,209,705 alleles (0.0077%); highest among the groups gnomAD compares: African/African-American, 0.15%; no homozygotes.

Submission:

CeGaT Center for Human Genetics Tuebingen
Classification: Likely benign. Last evaluated: 2022-05-01. Review status: criteria provided, single submitter. Criteria: CeGaT Center For Human Genetics Tuebingen Variant Classification Criteria Version 2. Collection method: clinical testing. Allele origin: germline. Affected: yes. Observed: 1 variant allele.
Comment: CT47B1: BP4, BP7